The following is an entry in ClinVar:

ClinVar aggregate classification (germline): Conflicting classifications of pathogenicity. Review status: criteria provided, conflicting classifications (1 of 4 stars). 2 submissions from 2 submitters: Likely pathogenic (1); Uncertain significance (1). Last evaluated 2024-07-05.

Conditions:
Congenital diarrhea 7 with exudative enteropathy. Also called: Diarrhea 7. Identifiers: Orphanet 329242, MedGen C4014516, MONDO:0014375, OMIM 615863.

Allele frequency attached by ClinVar (database versions not stated): gnomAD exomes below 0.00001; TOPMed below 0.00001; ExAC 0.00001; gnomAD 0.00001; ESP Exome Variant Server 0.00008.
gnomAD v4.1: 2 of 1,612,394 alleles (0.00012%); highest among the groups gnomAD compares: Non-Finnish European, 0.00017%; no homozygotes.

Submissions (2):

Aleixo Muise Laboratory, Hospital For Sick Children
Classification: Likely pathogenic for Congenital diarrhea 7 with exudative enteropathy. Last evaluated: 2024-07-05. Review status: criteria provided, single submitter. Criteria: ACMG Guidelines, 2015. Collection method: research. Allele origin: germline. Affected: yes. Observed: 1 variant allele.
Comment: PM2;PM3;PP3;PP4

Labcorp Genetics (formerly Invitae), Labcorp
Classification: Uncertain significance. Last evaluated: 2022-03-19. Review status: criteria provided, single submitter. Criteria: Invitae Variant Classification Sherloc (09022015). Collection method: clinical testing. Allele origin: germline.
Comment: This sequence change replaces serine, which is neutral and polar, with phenylalanine, which is neutral and non-polar, at codon 210 of the DGAT1 protein (p.Ser210Phe). This variant is present in population databases (rs138248019, gnomAD 0.0009%). This missense change has been observed in individual(s) with clinical features of congenital chronic diarrhea (Invitae). In at least one individual the data is consistent with being in trans (on the opposite chromosome) from a pathogenic variant. Algorithms developed to predict the effect of missense changes on protein structure and function (SIFT, PolyPhen-2, Align-GVGD) all suggest that this variant is likely to be disruptive. In summary, the available evidence is currently insufficient to determine the role of this variant in disease. Therefore, it has been classified as a Variant of Uncertain Significance.

NM_012079.6(DGAT1):c.629C>T (p.Ser210Phe)

Gene: DGAT1 (diacylglycerol O-acyltransferase 1; minus strand). Cytogenetic location: 8q24.3.
Variant type: single nucleotide variant.
Coding change: c.629C>T on transcript NM_012079.6 (MANE Select); coding-DNA position 629, C replaced by T.
Protein change: p.Ser210Phe; replaces serine 210 with phenylalanine.
Molecular consequence: missense variant.
Genome position (GRCh38, 1-based): chr8:144,318,308, G>A on the plus strand (C>T on the coding strand, the complement: DGAT1 is on the minus strand). VCF-style: chr8-144318308-G-A. GRCh37 (hg19) VCF-style: chr8-145541971-G-A.
Other names: short protein forms S210F.
Identifiers: ClinVar variation 2186345 (VCV002186345.2), dbSNP rs138248019, ClinGen allele CA4936943.